The following is an entry in ClinVar:

ClinVar aggregate classification (germline): Conflicting classifications of pathogenicity. Review status: criteria provided, conflicting classifications (1 of 4 stars). 2 submissions from 2 submitters: Uncertain significance (1); Likely benign (1). Last evaluated 2025-10-23.

Conditions:
Rhabdoid tumor predisposition syndrome 2 (RTPS2). Identifiers: Orphanet 231108, Orphanet 69077, MedGen C2750074, MONDO:0013224, OMIM 613325.

Allele frequency attached by ClinVar (database versions not stated): gnomAD exomes below 0.00001.
gnomAD v4.1: 6 of 1,574,784 alleles (0.00038%); highest among the groups gnomAD compares: Non-Finnish European, 0.00052%; no homozygotes.

Submissions (2):

Quest Diagnostics Nichols Institute San Juan Capistrano
Classification: Uncertain significance. Last evaluated: 2025-10-23. Review status: criteria provided, single submitter. Criteria: Quest Diagnostics criteria. Collection method: clinical testing. Allele origin: unknown.
Comment: The SMARCA4 c.2860-8G>A variant has not been reported in individuals with SMARCA4-related conditions in the published literature. This variant has not been reported in large, multi-ethnic general populations (Genome Aggregation Database). Analysis of this variant using software algorithms for the prediction of the effect of nucleotide changes on splicing yielded predictions that this variant does not affect SMARCA4 mRNA splicing. Based on the available information, we are unable to determine the clinical significance of this variant.

Labcorp Genetics (formerly Invitae), Labcorp
Classification: Likely benign for Rhabdoid tumor predisposition syndrome 2. Last evaluated: 2025-09-09. Review status: criteria provided, single submitter. Criteria: Invitae Variant Classification Sherloc (09022015). Collection method: clinical testing. Allele origin: germline.

NM_003072.5(SMARCA4):c.2860-8G>A

Gene: SMARCA4 (SWI/SNF related BAF chromatin remodeling complex subunit ATPase 4; plus strand). Cytogenetic location: 19p13.2.
Variant type: single nucleotide variant.
Coding change: c.2860-8G>A on transcript NM_003072.5 (MANE Select); 8 bases into the intron before coding-DNA position 2860, G replaced by A.
Molecular consequence: intron variant.
Genome position (GRCh38, 1-based): chr19:11,023,510, G>A. VCF-style: chr19-11023510-G-A. GRCh37 (hg19) VCF-style: chr19-11134186-G-A.
Other names: c.2860-8G>A (NM_001128844.3, NM_001128849.3, NM_001128847.4 and 5 more transcripts).
Identifiers: ClinVar variation 537854 (VCV000537854.12), dbSNP rs1555779547, ClinGen allele CA658799122.